The following is an entry in ClinVar:

NM_000138.5(FBN1):c.1327+4A>G

Gene: FBN1 (fibrillin 1; minus strand). Cytogenetic location: 15q21.1.
Variant type: single nucleotide variant.
Coding change: c.1327+4A>G on transcript NM_000138.5 (MANE Select); 4 bases into the intron after coding-DNA position 1327, A replaced by G.
Molecular consequence: intron variant.
Genome position (GRCh38, 1-based): chr15:48,516,179, T>C on the plus strand (A>G on the coding strand, the complement: FBN1 is on the minus strand). VCF-style: chr15-48516179-T-C. GRCh37 (hg19) VCF-style: chr15-48808376-T-C.
Other names: c.1327+4A>G (NM_001406716.1).
Identifiers: ClinVar variation 3755332 (VCV003755332.2).

ClinVar aggregate classification (germline): Uncertain significance (1 of 4 stars; one submission).

Conditions:
Marfan syndrome (MFS). Also called: MARFAN SYNDROME, TYPE I; Marfan syndrome type 1; Marfan's syndrome; Marfan syndrome, classic; FBN1-Related Marfan Syndrome. Identifiers: Orphanet 284963, Orphanet 558, MedGen C0024796, MONDO:0007947, OMIM 154700.
Familial thoracic aortic aneurysm and aortic dissection (TAAD). Also called: Thoracic aortic aneurysms and dissections. Identifiers: Orphanet 91387, MedGen C4707243, MONDO:0019625.

Submission:

Labcorp Genetics (formerly Invitae), Labcorp
Classification: Uncertain significance for Marfan syndrome; Familial thoracic aortic aneurysm and aortic dissection. Last evaluated: 2024-03-16. Review status: criteria provided, single submitter. Criteria: Invitae Variant Classification Sherloc (09022015). Collection method: clinical testing. Allele origin: germline.
Comment: This sequence change falls in intron 11 of the FBN1 gene. It does not directly change the encoded amino acid sequence of the FBN1 protein. It affects a nucleotide within the consensus splice site. This variant is not present in population databases (gnomAD no frequency). This variant has not been reported in the literature in individuals affected with FBN1-related conditions. Variants that disrupt the consensus splice site are a relatively common cause of aberrant splicing (PMID: 17576681, 9536098). Algorithms developed to predict the effect of sequence changes on RNA splicing suggest that this variant may disrupt the consensus splice site. In summary, the available evidence is currently insufficient to determine the role of this variant in disease. Therefore, it has been classified as a Variant of Uncertain Significance.

Literature cited by the submitters: PubMed 17576681; PubMed 9536098.